The following is an entry in ClinVar:

ClinVar aggregate classification (germline): Pathogenic. Review status: criteria provided, multiple submitters, no conflicts (2 of 4 stars). 4 submissions from 4 submitters: Pathogenic (4). Last evaluated 2025-12-03.

Conditions:
Autosomal recessive limb-girdle muscular dystrophy type 2B (LGMDR2). Also called: MUSCULAR DYSTROPHY, LIMB-GIRDLE, TYPE 3; MUSCULAR DYSTROPHY, LIMB-GIRDLE, AUTOSOMAL RECESSIVE 2; Limb-girdle muscular dystrophy, type 2B; Limb-Girdle Muscular Dystrophy Type 2B (LGMD2B). Identifiers: Orphanet 268, MedGen C1850889, MONDO:0009676, OMIM 253601.
Neuromuscular disease caused by qualitative or quantitative defects of dysferlin. Also called: Dysferlinopathy; Qualitative or quantitative defects of dysferlin. Identifiers: Orphanet 207073, MedGen C2931687, MONDO:0016145.

Submissions (4):

Natera, Inc.
Classification: Pathogenic for Limb-girdle muscular dystrophy type 2B. Last evaluated: 2025-12-03. Review status: criteria provided, single submitter. Criteria: Natera Variant Classification Schema (03/2026). Collection method: clinical testing. Allele origin: germline.
Comment: The c.342+1G>A variant in DYSF is a canonical splice donor site variant predicted to affect pre-mRNA splicing, which may result in an abnormal transcript and altered protein product. This variant is expected to result in nonsense mediated decay, truncation, or a dysfunctional protein product. This variant is rare in the general population with a frequency below the threshold expected for the associated phenotype(s). This variant has been observed in one or more individuals affected with the associated recessive disease, as either homozygous or compound heterozygous with a second variant (PMID: 26088049, 33927379). Additionally, this variant has been observed to segregate in affected family members (PMID: 33927379). Given the available evidence, this variant is classified as Pathogenic.

GeneDx
Classification: Pathogenic. Last evaluated: 2025-09-29. Review status: criteria provided, single submitter. Criteria: GeneDx Variant Classification Process June 2021. Collection method: clinical testing. Allele origin: germline. Affected: yes.
Comment: Reported previously in patients with dysferlinopathy who also harbored a second variant (phase unknown) (PMID: 23243261, 33927379); Canonical splice site variant predicted to result in a null allele in a gene for which loss of function is a known mechanism of disease; Not observed at significant frequency in large population cohorts (gnomAD); This variant is associated with the following publications: (PMID: 32400077, 23243261, 33927379, 33610434, 26088049)

Labcorp Genetics (formerly Invitae), Labcorp
Classification: Pathogenic for Neuromuscular disease caused by qualitative or quantitative defects of dysferlin. Last evaluated: 2024-06-18. Review status: criteria provided, single submitter. Criteria: Invitae Variant Classification Sherloc (09022015). Collection method: clinical testing. Allele origin: germline.
Comment: This sequence change affects a donor splice site in intron 4 of the DYSF gene. It is expected to disrupt RNA splicing. Variants that disrupt the donor or acceptor splice site typically lead to a loss of protein function (PMID: 16199547), and loss-of-function variants in DYSF are known to be pathogenic (PMID: 17698709, 20301480). This variant is not present in population databases (gnomAD no frequency). Disruption of this splice site has been observed in individual(s) with limb-girdle muscular dystrophy (PMID: 33610434). ClinVar contains an entry for this variant (Variation ID: 2203083). Algorithms developed to predict the effect of sequence changes on RNA splicing suggest that this variant may disrupt the consensus splice site. For these reasons, this variant has been classified as Pathogenic.

Kariminejad - Najmabadi Pathology & Genetics Center
Classification: Pathogenic for Autosomal recessive limb-girdle muscular dystrophy type 2B. Last evaluated: 2023-11-30. Review status: criteria provided, single submitter. Criteria: ACMG Guidelines, 2015. Collection method: clinical testing. Allele origin: germline. Inheritance: Autosomal recessive inheritance. Affected: yes.
Comment: PVS1_Very strong,PM2_Moderate,PP5_Supporting

Literature cited by the submitters: PubMed 26088049 (cited by Natera, Inc.); PubMed 33927379 (cited by Natera, Inc.); PubMed 16199547 (cited by Labcorp Genetics (formerly Invitae), Labcorp); PubMed 17698709 (cited by Labcorp Genetics (formerly Invitae), Labcorp); PubMed 20301480 (cited by Labcorp Genetics (formerly Invitae), Labcorp); PubMed 33610434 (cited by Labcorp Genetics (formerly Invitae), Labcorp).

NM_001130987.2(DYSF):c.345+1G>A

Gene: DYSF (dysferlin; plus strand). Cytogenetic location: 2p13.2.
Variant type: single nucleotide variant.
Coding change: c.345+1G>A on transcript NM_001130987.2 (MANE Select); the canonical splice donor site of the intron after coding-DNA position 345, G replaced by A.
Molecular consequence: splice donor variant.
Genome position (GRCh38, 1-based): chr2:71,503,320, G>A. VCF-style: chr2-71503320-G-A. GRCh37 (hg19) VCF-style: chr2-71730450-G-A.
Other names: c.342+1G>A (NM_003494.3, NM_001130979.2, NM_001130981.2 and 5 more transcripts); c.345+1G>A (NM_001130982.2, NM_001130985.2, NM_001130983.2 and 3 more transcripts).
Identifiers: ClinVar variation 2203083 (VCV002203083.6), dbSNP rs2152715844, ClinGen allele CA347204681.